The following is an entry in ClinVar:

NM_001370658.1(BTD):c.1264dup (p.Val422fs)

Gene: BTD (biotinidase; plus strand). Cytogenetic location: 3p25.1.
Variant type: Duplication.
Coding change: c.1264dup on transcript NM_001370658.1 (MANE Select); coding-DNA position 1264, one base duplicated (G; older notation c.1264dupG).
Protein change: p.Val422fs; shifts the reading frame from valine 422.
Molecular consequence: frameshift variant. On other transcripts: intron variant (8).
Genome position (GRCh38, 1-based): chr3:15,645,180, G duplicated; the last of 5 consecutive G bases (chr3:15,645,176-15,645,180); duplicating any one gives the same sequence. VCF-style (leftmost placement, unchanged base first): chr3-15645175-T-TG. GRCh37 (hg19) VCF-style: chr3-15686682-T-TG.
Other names: c.1264dup, p.Val422fs (NM_001407370.1, NM_001407371.1, NM_001407372.1 and 16 more transcripts); c.1015+249dup (NM_001370752.1, NM_001407379.1); c.399+3123dup (NM_001370753.1, NM_001407400.1, NM_001407380.1 and 3 more transcripts); c.1324dup (NM_000060.4); short protein forms V422fs.
Identifiers: ClinVar variation 3572379 (VCV003572379.1).

ClinVar aggregate classification (germline): Likely pathogenic (1 of 4 stars; one submission).

Submission:

Quest Diagnostics Nichols Institute San Juan Capistrano
Classification: Likely pathogenic. Last evaluated: 2024-10-21. Review status: criteria provided, single submitter. Criteria: Quest Diagnostics criteria. Collection method: clinical testing. Allele origin: unknown.
Comment: The BTD c.1324dup (p.Val442Glyfs*3) variant alters the translational reading frame of the BTD mRNA and is predicted to cause the premature termination of BTD protein synthesis. This frameshift variant in the last exon is not expected to trigger nonsense-mediated decay of the affected allele, however results in a disruption of a critical region of the BTD protein. This variant has not been reported in individuals with BTD-related conditions in the published literature. This variant has not been reported in large, multi-ethnic general populations (Genome Aggregation Database). Based on the available information, this variant is classified as likely pathogenic.